The following is an entry in ClinVar:

ClinVar aggregate classification (germline): Uncertain significance (1 of 4 stars; one submission).

Conditions:
Early-infantile DEE. Also called: Early infantile epileptic encephalopathy; Early infantile epileptic encephalopathy with suppression bursts; Ohtahara syndrome. Identifiers: Orphanet 1934, MedGen C0393706, MONDO:0800491.

Allele frequency attached by ClinVar (database versions not stated): gnomAD 0.00001; gnomAD exomes 0.00001; TOPMed 0.00001; ExAC 0.00002.
gnomAD v4.1: 18 of 1,610,272 alleles (0.0011%); highest among the groups gnomAD compares: Non-Finnish European, 0.0014%; no homozygotes.

Submission:

Labcorp Genetics (formerly Invitae), Labcorp
Classification: Uncertain significance for Early-infantile DEE. Last evaluated: 2019-12-02. Review status: criteria provided, single submitter. Criteria: Invitae Variant Classification Sherloc (09022015). Collection method: clinical testing. Allele origin: germline.
Comment: This sequence change replaces arginine with histidine at codon 625 of the SCN8A protein (p.Arg625His). The arginine residue is highly conserved and there is a small physicochemical difference between arginine and histidine. In summary, the available evidence is currently insufficient to determine the role of this variant in disease. Therefore, it has been classified as a Variant of Uncertain Significance. Algorithms developed to predict the effect of missense changes on protein structure and function are either unavailable or do not agree on the potential impact of this missense change (SIFT: "Deleterious"; PolyPhen-2: "Probably Damaging"; Align-GVGD: "Class C0"). This variant has not been reported in the literature in individuals with SCN8A-related conditions. This variant is present in population databases (rs765763546, ExAC 0.006%).

NM_001330260.2(SCN8A):c.1874G>A (p.Arg625His)

Gene: SCN8A (sodium voltage-gated channel alpha subunit 8; plus strand). Cytogenetic location: 12q13.13.
Variant type: single nucleotide variant.
Coding change: c.1874G>A on transcript NM_001330260.2 (MANE Select); coding-DNA position 1874, G replaced by A.
Protein change: p.Arg625His; replaces arginine 625 with histidine.
Molecular consequence: missense variant.
Genome position (GRCh38, 1-based): chr12:51,721,784, G>A. VCF-style: chr12-51721784-G-A. GRCh37 (hg19) VCF-style: chr12-52115568-G-A.
Other names: c.1874G>A, p.Arg625His (NM_001177984.3, NM_001369788.1, NM_014191.4); short protein forms R625H.
Identifiers: ClinVar variation 859490 (VCV000859490.10), dbSNP rs765763546, ClinGen allele CA6571351.
Genomic context (GRCh38, chr12:51,721,784, plus strand): 5'-TCCGGGCCCGCGAGCGCCGGAGCAGCTACAGCGGCTACAGCGGCTACAGCCAGGGCAGCC[G>A]CTCCTCGCGCATCTTCCCCAGCCTGCGGCGCAGCGTGAAGCGCAACAGCACGGTGGACTG-3'
Protein context (NP_001317189.1, residues 615-635): SGYSGYSQGS[Arg625His]SSRIFPSLRR